The following is an entry in ClinVar:

ClinVar aggregate classification (germline): Conflicting classifications of pathogenicity. Review status: criteria provided, conflicting classifications (1 of 4 stars). 4 submissions from 3 submitters: Uncertain significance (3); Likely benign (1). Last evaluated 2025-10-02.

Conditions:
Cardiovascular phenotype. Identifiers: MedGen CN230736.
Hereditary cancer-predisposing syndrome. Also called: Tumor predisposition; Hereditary Cancer Syndrome; Hereditary neoplastic syndrome; Neoplastic Syndromes, Hereditary. Identifiers: Orphanet 140162, MedGen C0027672, MeSH D009386, MONDO:0015356.
Neurofibromatosis, type 1 (NF1). Also called: VON RECKLINGHAUSEN DISEASE; NEUROFIBROMATOSIS, TYPE I, SOMATIC; Peripheral type neurofibromatosis; Neurofibromatosis, type I. Identifiers: Orphanet 636, MedGen C0027831, MONDO:0018975, OMIM 162200. Disease mechanism: loss of function.

Allele frequency attached by ClinVar (database versions not stated): TOPMed 0.00001.
gnomAD v4.1: 4 of 1,613,726 alleles (0.00025%); highest among the groups gnomAD compares: East Asian, 0.0089%; no homozygotes.

Submissions (4):

Labcorp Genetics (formerly Invitae), Labcorp
Classification: Likely benign for Neurofibromatosis, type 1. Last evaluated: 2025-10-02. Review status: criteria provided, single submitter. Criteria: Invitae Variant Classification Sherloc (09022015). Collection method: clinical testing. Allele origin: germline.

Genome-Nilou Lab
Classification: Uncertain significance for Neurofibromatosis, type 1. Last evaluated: 2022-03-15. Review status: criteria provided, single submitter. Criteria: ACMG Guidelines, 2015. Collection method: clinical testing. Allele origin: germline. Affected: no.

Ambry Genetics
Classification: Uncertain significance for Cardiovascular phenotype; Hereditary cancer-predisposing syndrome. Last evaluated: 2016-08-02. Review status: criteria provided, single submitter. Criteria: Ambry Variant Classification Scheme 2023. Collection method: clinical testing. Allele origin: germline.

Ambry Genetics
Classification: Uncertain significance for Hereditary cancer-predisposing syndrome. Last evaluated: 2014-07-16. Review status: criteria provided, single submitter. Criteria: Ambry Autosomal Dominant and X-Linked criteria (10/2015). Collection method: clinical testing. Allele origin: germline. Observed: 1 variant allele.
Comment: The p.P678S variant (also known as c.2032C>T), located in coding exon 18 of the NF1 gene, results from a C to T substitution at nucleotide position 2032. The proline at codon 678 is replaced by serine, an amino acid with similar properties. This variant was not reported in population based cohorts in the following databases: Database of Single Nucleotide Polymorphisms (dbSNP), NHLBI Exome Sequencing Project (ESP), and 1000 Genomes Project. In the ESP, this variant was not observed in 6503 samples (13006 alleles) with coverage at this position. To date, this alteration has been detected with an allele frequency of approximately 0.01% (greater than 11000 alleles tested) in our clinical cohort (includes this individual). This amino acid position is highly conserved in available vertebrate species. In addition, this alteration is predicted to be benign and tolerated by PolyPhen and SIFT in silico analyses, respectively. Since supporting evidence is limited at this time, the clinical significance of p.P678S remains unclear.

NM_001042492.3(NF1):c.2032C>T (p.Pro678Ser)

Gene: NF1 (neurofibromin 1; plus strand). Cytogenetic location: 17q11.2.
Variant type: single nucleotide variant.
Coding change: c.2032C>T on transcript NM_001042492.3 (MANE Select); coding-DNA position 2032, C replaced by T.
Protein change: p.Pro678Ser; replaces proline 678 with serine.
Molecular consequence: missense variant.
Genome position (GRCh38, 1-based): chr17:31,226,465, C>T. VCF-style: chr17-31226465-C-T. GRCh37 (hg19) VCF-style: chr17-29553483-C-T.
Other names: c.2032C>T, p.Pro678Ser (NM_000267.4); short protein forms P678S.
Identifiers: ClinVar variation 185532 (VCV000185532.13), dbSNP rs758691069, ClinGen allele CA192203.
Genomic context (GRCh38, chr17:31,226,465, plus strand): 5'-AAATATATGTCTTCCACCCTTGACTCTCAGGATAGTGCAGCAGGATGCAGCGGAACCCCC[C>T]CGATTTGCCGACAAGCCCAGACCAAACTAGAAGTGGCCCTGTACATGTTTCTGTGGAACC-3'
Protein context (NP_001035957.1, residues 668-688): DSAAGCSGTP[Pro678Ser]ICRQAQTKLE